The following is an entry in ClinVar:

NM_003105.6(SORL1):c.4564G>A (p.Glu1522Lys)

Gene: SORL1 (sortilin related receptor 1; plus strand). Cytogenetic location: 11q24.1.
Variant type: single nucleotide variant.
Coding change: c.4564G>A on transcript NM_003105.6 (MANE Select); coding-DNA position 4564, G replaced by A.
Protein change: p.Glu1522Lys; replaces glutamic acid 1522 with lysine.
Molecular consequence: missense variant.
Genome position (GRCh38, 1-based): chr11:121,604,237, G>A. VCF-style: chr11-121604237-G-A. GRCh37 (hg19) VCF-style: chr11-121474946-G-A.
Other names: short protein forms E1522K.
Identifiers: ClinVar variation 2726992 (VCV002726992.3), dbSNP rs1479722445, ClinGen allele CA383037329.

ClinVar aggregate classification (germline): Uncertain significance (1 of 4 stars; one submission).

Allele frequency attached by ClinVar (database versions not stated): gnomAD exomes below 0.00001; TOPMed below 0.00001; gnomAD 0.00001.
gnomAD v4.1: 9 of 1,614,040 alleles (0.00056%); highest among the groups gnomAD compares: Non-Finnish European, 0.00076%; no homozygotes.

Submission:

Labcorp Genetics (formerly Invitae), Labcorp
Classification: Uncertain significance. Last evaluated: 2023-06-27. Review status: criteria provided, single submitter. Criteria: Invitae Variant Classification Sherloc (09022015). Collection method: clinical testing. Allele origin: germline.
Comment: In summary, the available evidence is currently insufficient to determine the role of this variant in disease. Therefore, it has been classified as a Variant of Uncertain Significance. An algorithm developed to predict the effect of missense changes on protein structure and function (PolyPhen-2) suggests that this variant is likely to be tolerated. This missense change has been observed in individual(s) with Alzheimer disease (PMID: 27026413). This variant is present in population databases (no rsID available, gnomAD 0.0009%). This sequence change replaces glutamic acid, which is acidic and polar, with lysine, which is basic and polar, at codon 1522 of the SORL1 protein (p.Glu1522Lys).

Literature cited by the submitters: PubMed 27026413.